The following is an entry in ClinVar:

NM_001048174.2(MUTYH):c.1420C>T (p.Pro474Ser)

Gene: MUTYH (mutY DNA glycosylase; minus strand). Cytogenetic location: 1p34.1.
Variant type: single nucleotide variant.
Coding change: c.1420C>T on transcript NM_001048174.2 (MANE Select); coding-DNA position 1420, C replaced by T.
Protein change: p.Pro474Ser; replaces proline 474 with serine.
Molecular consequence: missense variant. On other transcripts: non-coding transcript variant (7).
Genome position (GRCh38, 1-based): chr1:45,330,530, G>A on the plus strand (C>T on the coding strand, the complement: MUTYH is on the minus strand). VCF-style: chr1-45330530-G-A. GRCh37 (hg19) VCF-style: chr1-45796202-G-A.
Other names: c.1420C>T, p.Pro474Ser (NM_001048171.2, NM_001048173.2, NM_001293195.2 and 6 more transcripts); c.1423C>T, p.Pro475Ser (NM_001048172.2, NM_001407071.1, NM_001407078.1 and 1 more transcripts); c.1504C>T, p.Pro502Ser (NM_001128425.2); c.1465C>T, p.Pro489Ser (NM_001293190.2); c.1453C>T, p.Pro485Ser (NM_001293191.2, NM_001407069.1, NM_001407077.1); c.1144C>T, p.Pro382Ser (NM_001293192.2, NM_001293196.2, NM_001407091.1); c.1075C>T, p.Pro359Ser (NM_001350650.2, NM_001350651.2, NM_001407082.1); c.1336C>T, p.Pro446Ser (NM_001407075.1); and 5 more; short protein forms P460S, P488S, P499S, P461S, P475S, P485S, P489S, P502S.
Identifiers: ClinVar variation 4112839 (VCV004112839.1).

ClinVar aggregate classification (germline): Uncertain significance (1 of 4 stars; one submission).

Conditions:
Hereditary cancer-predisposing syndrome. Also called: Tumor predisposition; Neoplastic Syndromes, Hereditary; Hereditary neoplastic syndrome; Hereditary Cancer Syndrome. Identifiers: Orphanet 140162, MedGen C0027672, MeSH D009386, MONDO:0015356.

Submission:

Ambry Genetics
Classification: Uncertain significance for Hereditary cancer-predisposing syndrome. Last evaluated: 2025-08-27. Review status: criteria provided, single submitter. Criteria: Ambry Variant Classification Scheme 2023. Collection method: clinical testing. Allele origin: germline.
Comment: The p.P502S variant (also known as c.1504C>T), located in coding exon 15 of the MUTYH gene, results from a C to T substitution at nucleotide position 1504. The proline at codon 502 is replaced by serine, an amino acid with similar properties. This amino acid position is conserved. In addition, this alteration is predicted to be tolerated by in silico analysis. Based on the available evidence, the clinical significance of this variant remains unclear.